The following is an entry in ClinVar:

NM_000554.6(CRX):c.258G>C (p.Trp86Cys)

Gene: CRX (cone-rod homeobox; plus strand). Cytogenetic location: 19q13.33.
Variant type: single nucleotide variant.
Coding change: c.258G>C on transcript NM_000554.6 (MANE Select); coding-DNA position 258, G replaced by C.
Protein change: p.Trp86Cys; replaces tryptophan 86 with cysteine.
Molecular consequence: missense variant.
Genome position (GRCh38, 1-based): chr19:47,839,325, G>C. VCF-style: chr19-47839325-G-C. GRCh37 (hg19) VCF-style: chr19-48342582-G-C.
Other names: short protein forms W86C.
Identifiers: ClinVar variation 951760 (VCV000951760.9), dbSNP rs1968160766, ClinGen allele CA406630254.

ClinVar aggregate classification (germline): Uncertain significance (1 of 4 stars; one submission).

Conditions:
Cone-rod dystrophy 2 (CORD2). Also called: CONE-ROD RETINAL DYSTROPHY; Cone-rod retinal dystrophy 2. Identifiers: Orphanet 1872, MedGen C3489532, MONDO:0007362, OMIM 120970.
Leber congenital amaurosis 7 (LCA7). Identifiers: Orphanet 65, MedGen C3151192, MONDO:0013449, OMIM 613829.

Submission:

Labcorp Genetics (formerly Invitae), Labcorp
Classification: Uncertain significance for Cone-rod dystrophy 2; Leber congenital amaurosis 7. Last evaluated: 2022-07-19. Review status: criteria provided, single submitter. Criteria: Invitae Variant Classification Sherloc (09022015). Collection method: clinical testing. Allele origin: germline.
Comment: In summary, the available evidence is currently insufficient to determine the role of this variant in disease. Therefore, it has been classified as a Variant of Uncertain Significance. Algorithms developed to predict the effect of missense changes on protein structure and function (SIFT, PolyPhen-2, Align-GVGD) all suggest that this variant is likely to be disruptive. ClinVar contains an entry for this variant (Variation ID: 951760). This variant has not been reported in the literature in individuals affected with CRX-related conditions. This variant is not present in population databases (gnomAD no frequency). This sequence change replaces tryptophan, which is neutral and slightly polar, with cysteine, which is neutral and slightly polar, at codon 86 of the CRX protein (p.Trp86Cys).